The following is an entry in ClinVar:

ClinVar aggregate classification (germline): Pathogenic (1 of 4 stars; one submission).

Conditions:
Neurofibromatosis, type 1 (NF1). Also called: Peripheral type neurofibromatosis; VON RECKLINGHAUSEN DISEASE; NEUROFIBROMATOSIS, TYPE I, SOMATIC; Neurofibromatosis, type I. Identifiers: Orphanet 636, MedGen C0027831, MONDO:0018975, OMIM 162200. Disease mechanism: loss of function.

Submission:

Labcorp Genetics (formerly Invitae), Labcorp
Classification: Pathogenic for Neurofibromatosis, type 1. Last evaluated: 2023-03-01. Review status: criteria provided, single submitter. Criteria: Invitae Variant Classification Sherloc (09022015). Collection method: clinical testing. Allele origin: germline.
Comment: For these reasons, this variant has been classified as Pathogenic. ClinVar contains an entry for this variant (Variation ID: 2419123). This variant is also known as c.6817delC. This premature translational stop signal has been observed in individual(s) with neurofibromatosis type 1 (PMID: 31048186). This variant is not present in population databases (gnomAD no frequency). This sequence change creates a premature translational stop signal (p.Lys2125Serfs*4) in the NF1 gene. It is expected to result in an absent or disrupted protein product. Loss-of-function variants in NF1 are known to be pathogenic (PMID: 10712197, 23913538).

Literature cited by the submitters: PubMed 31048186; PubMed 10712197; PubMed 23913538.

NM_001042492.3(NF1):c.6435del (p.Lys2146fs)

Gene: NF1 (neurofibromin 1; plus strand). Cytogenetic location: 17q11.2.
Variant type: Deletion.
Coding change: c.6435del on transcript NM_001042492.3 (MANE Select); coding-DNA position 6435, one base deleted (C; older notation c.6435delC).
Protein change: p.Lys2146fs; shifts the reading frame from lysine 2146.
Molecular consequence: frameshift variant.
Genome position (GRCh38, 1-based): chr17:31,337,375, C deleted; the last of 2 consecutive C bases (chr17:31,337,374-31,337,375); deleting either gives the same sequence. VCF-style (leftmost placement, unchanged base first): chr17-31337373-AC-A. GRCh37 (hg19) VCF-style: chr17-29664391-AC-A.
Other names: c.6372delC, p.Lys2125Serfs (NM_000267.4); short protein forms K2125fs, K2146fs.
Identifiers: ClinVar variation 2419123 (VCV002419123.6), dbSNP rs2508752880, ClinGen allele CA2580093362.